The following is an entry in ClinVar:

ClinVar aggregate classification (germline): Conflicting classifications of pathogenicity. Review status: criteria provided, conflicting classifications (1 of 4 stars). 4 submissions from 4 submitters: Uncertain significance (1); Benign (1); Likely benign (1). 1 of the submissions does not count toward it. Last evaluated 2026-09-11.

Conditions:
Inborn genetic diseases. Identifiers: MedGen C0950123, MeSH D030342.
KMT2D-related disorder. Also called: KMT2D-Related Disorders.
Kabuki syndrome. Also called: NIIKAWA-KUROKI SYNDROME; Kabuki make-up syndrome. Identifiers: Orphanet 2322, MedGen C0796004, MONDO:0016512.

Allele frequency attached by ClinVar (database versions not stated): gnomAD exomes 0.00002 and 0.00004; 1000 Genomes Project 30x 0.00031; gnomAD 0.00005 and 0.00004; ExAC 0.00006; TOPMed 0.00005; 1000 Genomes Project 0.00020.
gnomAD v4.1: 63 of 1,611,972 alleles (0.0039%); highest among the groups gnomAD compares: Middle Eastern, 0.017%; no homozygotes.

Submissions (4):

Ambry Genetics
Classification: Likely benign for Inborn genetic diseases. Last evaluated: 2026-09-11. Review status: criteria provided, single submitter. Criteria: Ambry Variant Classification Scheme 2023. Collection method: clinical testing. Allele origin: germline.

Labcorp Genetics (formerly Invitae), Labcorp
Classification: Benign for Kabuki syndrome. Last evaluated: 2025-11-03. Review status: criteria provided, single submitter. Criteria: Invitae Variant Classification Sherloc (09022015). Collection method: clinical testing. Allele origin: germline.

Eurofins Ntd Llc (ga)
Classification: Uncertain significance. Last evaluated: 2014-03-10. Review status: criteria provided, single submitter. Criteria: EGL Classification Definitions 2015. Collection method: clinical testing. Allele origin: germline. Observed: 1 variant allele, 1 heterozygote.

PreventionGenetics, part of Exact Sciences
Classification: Likely benign for KMT2D-related condition. Last evaluated: 2023-10-09. Review status: no assertion criteria provided. Collection method: clinical testing. Allele origin: germline. Not counted in ClinVar's aggregate classification.
Comment: This variant is classified as likely benign based on ACMG/AMP sequence variant interpretation guidelines (Richards et al. 2015 PMID: 25741868, with internal and published modifications).

NM_003482.4(KMT2D):c.1488G>A (p.Pro496=)

Gene: KMT2D (lysine methyltransferase 2D; minus strand). Cytogenetic location: 12q13.12.
Variant type: single nucleotide variant.
Coding change: c.1488G>A on transcript NM_003482.4 (MANE Select); coding-DNA position 1488, G replaced by A.
Protein change: p.Pro496=; no amino-acid change (proline 496 retained).
Molecular consequence: synonymous variant.
Genome position (GRCh38, 1-based): chr12:49,052,195, C>T on the plus strand (G>A on the coding strand, the complement: KMT2D is on the minus strand). VCF-style: chr12-49052195-C-T. GRCh37 (hg19) VCF-style: chr12-49445978-C-T.
Other names: c.1488G>A (NM_003482.3).
Identifiers: ClinVar variation 167231 (VCV000167231.12), dbSNP rs534236560, ClinGen allele CA234187.